The following is an entry in ClinVar:

NM_001394062.1(MACF1):c.17592A>G (p.Gln5864=)

Gene: MACF1 (microtubule actin crosslinking factor 1; plus strand). Cytogenetic location: 1p34.3.
Variant type: single nucleotide variant.
Coding change: c.17592A>G on transcript NM_001394062.1 (MANE Select); coding-DNA position 17592, A replaced by G.
Protein change: p.Gln5864=; no amino-acid change (glutamine 5864 retained).
Molecular consequence: synonymous variant.
Genome position (GRCh38, 1-based): chr1:39,434,440, A>G. VCF-style: chr1-39434440-A-G. GRCh37 (hg19) VCF-style: chr1-39900112-A-G.
Other names: c.5661A>G, p.Gln1887= (NM_001397473.1); c.11406A>G, p.Gln3802= (NM_012090.5).
Identifiers: ClinVar variation 2175342 (VCV002175342.8), dbSNP rs1174554515, ClinGen allele CA417525577.

ClinVar aggregate classification (germline): Likely benign. Review status: criteria provided, multiple submitters, no conflicts (2 of 4 stars). 2 submissions from 2 submitters: Likely benign (2). Last evaluated 2026-01-01.

Allele frequency attached by ClinVar (database versions not stated): gnomAD 0.00001; TOPMed 0.00001.
gnomAD v4.1: 8 of 1,611,142 alleles (0.0005%); highest among the groups gnomAD compares: Admixed American, 0.013%; no homozygotes.

Submissions (2):

CeGaT Center for Human Genetics Tuebingen
Classification: Likely benign. Last evaluated: 2026-01-01. Review status: criteria provided, single submitter. Criteria: CeGaT Center For Human Genetics Tuebingen Variant Classification Criteria Version 2. Collection method: clinical testing. Allele origin: germline. Affected: yes. Observed: 1 variant allele.
Comment: MACF1: BP4, BP7

Labcorp Genetics (formerly Invitae), Labcorp
Classification: Likely benign. Last evaluated: 2022-09-27. Review status: criteria provided, single submitter. Criteria: Invitae Variant Classification Sherloc (09022015). Collection method: clinical testing. Allele origin: germline.